The following is an entry in ClinVar:

ClinVar aggregate classification (germline): Uncertain significance (1 of 4 stars; one submission).

Allele frequency attached by ClinVar (database versions not stated): TOPMed 0.00002; gnomAD 0.00003.
gnomAD v4.1: 4 of 152,232 alleles (0.0026%); highest among the groups gnomAD compares: Non-Finnish European, 0.0059%; no homozygotes.

Submission:

Institute for Clinical Genetics, University Hospital TU Dresden, University Hospital TU Dresden
Classification: Uncertain significance. Last evaluated: 2022-12-09. Review status: criteria provided, single submitter. Criteria: ACMG Guidelines, 2015. Collection method: clinical testing. Allele origin: germline.
Comment: PM2_SUP

NM_017755.6(NSUN2):c.359+257C>G

Gene: NSUN2 (NOP2/Sun RNA methyltransferase 2; minus strand). Cytogenetic location: 5p15.31.
Variant type: single nucleotide variant.
Coding change: c.359+257C>G on transcript NM_017755.6 (MANE Select); 257 bases into the intron after coding-DNA position 359, C replaced by G.
Molecular consequence: intron variant.
Genome position (GRCh38, 1-based): chr5:6,631,616, G>C on the plus strand (C>G on the coding strand, the complement: NSUN2 is on the minus strand). VCF-style: chr5-6631616-G-C. GRCh37 (hg19) VCF-style: chr5-6631729-G-C.
Other names: c.254+983C>G (NM_001193455.2).
Identifiers: ClinVar variation 2576060 (VCV002576060.1), dbSNP rs758329328, ClinGen allele CA113751767.